The following is an entry in ClinVar:

ClinVar aggregate classification (germline): Uncertain significance. Review status: criteria provided, multiple submitters, no conflicts (2 of 4 stars). 3 submissions from 3 submitters: Uncertain significance (3). Last evaluated 2023-11-15.

Conditions:
Mucopolysaccharidosis type 1. Also called: IDUA deficiency; MPS I; Mucopolysaccharidosis Type I. Identifiers: Orphanet 579, MedGen C0023786, MONDO:0001586.

Allele frequency attached by ClinVar (database versions not stated): gnomAD 0.00002; gnomAD exomes 0.00003; 1000 Genomes Project 0.00020; ExAC 0.00022; 1000 Genomes Project 30x 0.00031.

Submissions (3):

Revvity Omics, Revvity
Classification: Uncertain significance. Last evaluated: 2023-11-15. Review status: criteria provided, single submitter. Criteria: ACMG Guidelines, 2015. Collection method: clinical testing. Allele origin: germline.

Blueprint Genetics
Classification: Uncertain significance. Last evaluated: 2023-10-02. Review status: criteria provided, single submitter. Criteria: ACMG Guidelines, 2015. Collection method: clinical testing. Allele origin: germline.

Labcorp Genetics (formerly Invitae), Labcorp
Classification: Uncertain significance for Mucopolysaccharidosis type 1. Last evaluated: 2021-08-26. Review status: criteria provided, single submitter. Criteria: Invitae Variant Classification Sherloc (09022015). Collection method: clinical testing. Allele origin: germline.
Comment: This sequence change replaces arginine with tryptophan at codon 502 of the IDUA protein (p.Arg502Trp). The arginine residue is weakly conserved and there is a moderate physicochemical difference between arginine and tryptophan. This variant is present in population databases (rs570594115, ExAC 0.1%). This variant has not been reported in the literature in individuals affected with IDUA-related conditions. Algorithms developed to predict the effect of missense changes on protein structure and function are either unavailable or do not agree on the potential impact of this missense change (SIFT: "Deleterious"; PolyPhen-2: "Probably Damaging"; Align-GVGD: "Class C0"). In summary, the available evidence is currently insufficient to determine the role of this variant in disease. Therefore, it has been classified as a Variant of Uncertain Significance.

NM_000203.5(IDUA):c.1504C>T (p.Arg502Trp)

Gene: IDUA (alpha-L-iduronidase; plus strand). Cytogenetic location: 4p16.3.
Variant type: single nucleotide variant.
Coding change: c.1504C>T on transcript NM_000203.5 (MANE Select); coding-DNA position 1504, C replaced by T.
Protein change: p.Arg502Trp; replaces arginine 502 with tryptophan.
Molecular consequence: missense variant. On other transcripts: non-coding transcript variant (1).
Genome position (GRCh38, 1-based): chr4:1,003,137, C>T. VCF-style: chr4-1003137-C-T. GRCh37 (hg19) VCF-style: chr4-996925-C-T.
Other names: c.1108C>T, p.Arg370Trp (NM_001363576.1); short protein forms R370W, R502W.
Identifiers: ClinVar variation 2070831 (VCV002070831.5), dbSNP rs570594115, ClinGen allele CA2802280.